The following is an entry in ClinVar:

ClinVar aggregate classification (germline): Uncertain significance (1 of 4 stars; one submission).

Submission:

Labcorp Genetics (formerly Invitae), Labcorp
Classification: Uncertain significance. Last evaluated: 2026-02-02. Review status: criteria provided, single submitter. Criteria: Invitae Variant Classification Sherloc (09022015). Collection method: clinical testing. Allele origin: germline.
Comment: This sequence change replaces glycine, which is neutral and non-polar, with arginine, which is basic and polar, at codon 129 of the ANKZF1 protein (p.Gly129Arg). This variant is present in population databases (rs760561112, gnomAD 0.002%). This variant has not been reported in the literature in individuals affected with ANKZF1-related conditions. An algorithm developed to predict the effect of missense changes on protein structure and function (PolyPhen-2) suggests that this variant is likely to be disruptive. In summary, the available evidence is currently insufficient to determine the role of this variant in disease. Therefore, it has been classified as a Variant of Uncertain Significance.

NM_018089.3(ANKZF1):c.385G>A (p.Gly129Arg)

Gene: ANKZF1 (ankyrin repeat and zinc finger peptidyl tRNA hydrolase 1; plus strand). Cytogenetic location: 2q35.
Variant type: single nucleotide variant.
Coding change: c.385G>A on transcript NM_018089.3 (MANE Select); coding-DNA position 385, G replaced by A.
Protein change: p.Gly129Arg; replaces glycine 129 with arginine.
Molecular consequence: missense variant. On other transcripts: 5 prime UTR variant (1).
Genome position (GRCh38, 1-based): chr2:219,232,510, G>A. VCF-style: chr2-219232510-G-A. GRCh37 (hg19) VCF-style: chr2-220097232-G-A.
Other names: c.385G>A, p.Gly129Arg (NM_001042410.2); c.-246G>A (NM_001282792.2); short protein forms G129R.
Identifiers: ClinVar variation 4776376 (VCV004776376.1).
Genomic context (GRCh38, chr2:219,232,510, plus strand): 5'-GGGGTACCAAACTTGTGTATCTCATATTGTCTGTCTTCAGGAGATCTTTCCAGCATCTCG[G>A]GATCAGAAGACTCAGACTCAGCCAGTGAGGAGGACTTGCAGACACTGGATCGGGAGAGGG-3'
Protein context (NP_060559.2, residues 119-139): SSTGDLSSIS[Gly129Arg]SEDSDSASEE